The following is an entry in ClinVar:

NM_003737.4(DCHS1):c.5641G>T (p.Asp1881Tyr)

Gene: DCHS1 (dachsous cadherin-related 1; minus strand). Cytogenetic location: 11p15.4.
Variant type: single nucleotide variant.
Coding change: c.5641G>T on transcript NM_003737.4 (MANE Select); coding-DNA position 5641, G replaced by T.
Protein change: p.Asp1881Tyr; replaces aspartic acid 1881 with tyrosine.
Molecular consequence: missense variant.
Genome position (GRCh38, 1-based): chr11:6,627,398, C>A on the plus strand (G>T on the coding strand, the complement: DCHS1 is on the minus strand). VCF-style: chr11-6627398-C-A. GRCh37 (hg19) VCF-style: chr11-6648629-C-A.
Other names: short protein forms D1881Y.
Identifiers: ClinVar variation 4885662 (VCV004885662.2).
Genomic context (GRCh38, chr11:6,627,398, plus strand): 5'-CTCCTGCTGTACCGGCGCCCAGGTAGTAGGTCACATGGCCATTAGCTCCAGCATCAGGGT[C>A]ATGAGCCTGTAGCTGCAGCAGCAGGGTCCCTGCAGGCACATCCTCCGGCACCTCCACCGA-3'
Protein context (NP_003728.1, residues 1871-1891): GTLLLQLQAH[Asp1881Tyr]PDAGANGHVT

ClinVar aggregate classification (germline): Uncertain significance (1 of 4 stars; one submission).

Submission:

Dasa
Classification: Uncertain significance. Last evaluated: 2025-11-03. Review status: criteria provided, single submitter. Criteria: DASA Assertion Criteria. Collection method: clinical testing. Allele origin: germline.
Comment: NM_003737.4(DCHS1):c.5641G>T (p.Asp1881Tyr) is a missense variant that results in the substitution of aspartic acid with tyrosine. This variant is absent from population databases. Computational prediction algorithms are consistent with a deleterious effect. The currently available literature and clinical evidence are not sufficient to establish a definitive association between this variant and the reported condition. Therefore, this variant is classified as a variant of uncertain significance.